The following is an entry in ClinVar:

ClinVar aggregate classification (germline): Uncertain significance (1 of 4 stars; one submission).

Conditions:
Dilated cardiomyopathy 1JJ (CMD1JJ). Identifiers: Orphanet 154, MedGen C3808935, MONDO:0014095, OMIM 615235.

Submission:

Labcorp Genetics (formerly Invitae), Labcorp
Classification: Uncertain significance for Dilated cardiomyopathy 1JJ. Last evaluated: 2022-03-11. Review status: criteria provided, single submitter. Criteria: Invitae Variant Classification Sherloc (09022015). Collection method: clinical testing. Allele origin: germline.
Comment: In summary, the available evidence is currently insufficient to determine the role of this variant in disease. Therefore, it has been classified as a Variant of Uncertain Significance. This variant has not been reported in the literature in individuals affected with LAMA4-related conditions. This variant is a gross deletion of the genomic region encompassing exon(s) 8 of the LAMA4 gene. This deletion is out-of-frame, and is expected to create a premature translational stop signal and result in an absent or disrupted protein product. However, the current clinical and genetic evidence is not sufficient to establish whether loss-of-function variants in LAMA4 cause disease.

NC_000006.11:g.(?_112508632)_(112508823_?)del

Gene: LAMA4 (laminin subunit alpha 4; minus strand). Cytogenetic location: 6q21.
Variant type: Deletion.
Identifiers: ClinVar variation 2424384 (VCV002424384.4).